The following is an entry in ClinVar:

ClinVar aggregate classification (germline): Uncertain significance (1 of 4 stars; one submission).

Submission:

GeneDx
Classification: Uncertain significance. Last evaluated: 2023-12-02. Review status: criteria provided, single submitter. Criteria: GeneDx Variant Classification Process June 2021. Collection method: clinical testing. Allele origin: germline. Affected: yes.
Comment: Not observed at significant frequency in large population cohorts (gnomAD); In silico analysis supports that this missense variant does not alter protein structure/function; Has not been previously published as pathogenic or benign to our knowledge

NM_032590.5(KDM2B):c.2857G>A (p.Glu953Lys)

Gene: KDM2B (lysine demethylase 2B; minus strand). Cytogenetic location: 12q24.31.
Variant type: single nucleotide variant.
Coding change: c.2857G>A on transcript NM_032590.5 (MANE Select); coding-DNA position 2857, G replaced by A.
Protein change: p.Glu953Lys; replaces glutamic acid 953 with lysine.
Molecular consequence: missense variant.
Genome position (GRCh38, 1-based): chr12:121,442,584, C>T on the plus strand (G>A on the coding strand, the complement: KDM2B is on the minus strand). VCF-style: chr12-121442584-C-T. GRCh37 (hg19) VCF-style: chr12-121880387-C-T.
Other names: c.2650G>A, p.Glu884Lys (NM_001005366.2); short protein forms E884K, E953K.
Identifiers: ClinVar variation 3365130 (VCV003365130.1).
Genomic context (GRCh38, chr12:121,442,584, plus strand): 5'-TGGGCTGCTGGTTCTCGTTGGCCAGGCTGTTCTCCGTCCTCTGGATCTCGTGGTTGAGCT[C>T]CTTGCTCAGCTCCCTGCTCAGCTCCTTGTTGGGAAGCCGCCGCTTCCGGCGCATCTTCAC-3'
Protein context (NP_115979.3, residues 943-963): NKELSRELSK[Glu953Lys]LNHEIQRTEN